The following is an entry in ClinVar:

ClinVar aggregate classification (germline): Uncertain significance (1 of 4 stars; one submission).

Conditions:
Familial cold autoinflammatory syndrome 4 (FCAS4). Identifiers: Orphanet 47045, Orphanet 576349, MedGen C4015276, MONDO:0014498, OMIM 616115.
Periodic fever-infantile enterocolitis-autoinflammatory syndrome. Also called: Autoinflammation with infantile enterocolitis. Identifiers: Orphanet 436166, MedGen C4015067, MONDO:0014472, OMIM 616050.

Allele frequency attached by ClinVar (database versions not stated): TOPMed below 0.00001.

Submission:

Labcorp Genetics (formerly Invitae), Labcorp
Classification: Uncertain significance for Periodic fever-infantile enterocolitis-autoinflammatory syndrome; Familial cold autoinflammatory syndrome 4. Last evaluated: 2020-07-08. Review status: criteria provided, single submitter. Criteria: Invitae Variant Classification Sherloc (09022015). Collection method: clinical testing. Allele origin: germline.
Comment: This variant has not been reported in the literature in individuals with NLRC4-related conditions. This variant is not present in population databases (ExAC no frequency). This sequence change replaces alanine with proline at codon 383 of the NLRC4 protein (p.Ala383Pro). The alanine residue is moderately conserved and there is a small physicochemical difference between alanine and proline. In summary, the available evidence is currently insufficient to determine the role of this variant in disease. Therefore, it has been classified as a Variant of Uncertain Significance. Algorithms developed to predict the effect of missense changes on protein structure and function (SIFT, PolyPhen-2, Align-GVGD) all suggest that this variant is likely to be tolerated, but these predictions have not been confirmed by published functional studies and their clinical significance is uncertain.

NM_001199138.2(NLRC4):c.1147G>C (p.Ala383Pro)

Gene: NLRC4 (NLR family CARD domain containing 4; minus strand). Cytogenetic location: 2p22.3.
Variant type: single nucleotide variant.
Coding change: c.1147G>C on transcript NM_001199138.2 (MANE Select); coding-DNA position 1147, G replaced by C.
Protein change: p.Ala383Pro; replaces alanine 383 with proline.
Molecular consequence: missense variant. On other transcripts: intron variant (1).
Genome position (GRCh38, 1-based): chr2:32,250,717, C>G on the plus strand (G>C on the coding strand, the complement: NLRC4 is on the minus strand). VCF-style: chr2-32250717-C-G. GRCh37 (hg19) VCF-style: chr2-32475786-C-G.
Other names: c.1147G>C, p.Ala383Pro (NM_001199139.2, NM_021209.5); c.262+1702G>C (NM_001302504.1); short protein forms A383P.
Identifiers: ClinVar variation 1014821 (VCV001014821.8), dbSNP rs1687053851, ClinGen allele CA346513373.
Genomic context (GRCh38, chr2:32,250,717, plus strand): 5'-AGAACACACCCTCCAGAGCTAGGTCTCCACAGTGGTCCAGGCTCCGAATGAAGTCACTTG[C>G]AGCCACACCTTTATGTTTGTGTTTGTTTTTCTGTATCAACAGATCATAGAAGGTATGGAA-3'
Protein context (NP_001186067.1, residues 373-393): KNKHKHKGVA[Ala383Pro]SDFIRSLDHC